The following is an entry in ClinVar:

NM_153704.6(TMEM67):c.224-6_224-3del

Gene: TMEM67 (transmembrane protein 67; plus strand). Cytogenetic location: 8q22.1.
Variant type: Deletion.
Coding change: c.224-6_224-3del on transcript NM_153704.6 (MANE Select); 6 bases into the intron before coding-DNA position 224 through 3 bases into the intron before coding-DNA position 224, 4 bases deleted (TTTT; older notation c.224-6_224-3delTTTT).
Molecular consequence: intron variant.
Genome position (GRCh38, 1-based): chr8:93,755,772-93,755,775, TTTT deleted; deleting any 4 consecutive bases within chr8:93,755,752-93,755,775 gives the same sequence; the c. name uses the placement nearest the transcript's 3' end. VCF-style (leftmost placement, unchanged base first): chr8-93755751-CTTTT-C. GRCh37 (hg19) VCF-style: chr8-94767979-CTTTT-C.
Other names: NC_000008.10:g.94768000_94768003del; c.-62+635_-62+638del (NM_001142301.1).
Identifiers: ClinVar variation 4282760 (VCV004282760.3).

ClinVar aggregate classification (germline): Likely benign (1 of 4 stars; one submission).

Submissions (2):

CeGaT Center for Human Genetics Tuebingen
Classification: Likely benign. Last evaluated: 2026-05-01. Review status: criteria provided, single submitter. Criteria: CeGaT Center For Human Genetics Tuebingen Variant Classification Criteria Version 2. Collection method: clinical testing. Allele origin: germline. Affected: yes. Observed: 1 variant allele.
Comment: TMEM67: BP4, BS1

Dr. Peter K. Rogan Lab, Western University
No classification provided (evidence only). Condition: Colon adenocarcinoma. Review status: no classification provided. Collection method: in vitro. Allele origin: not applicable. Functional consequence: skipped exon, retained intron. Not counted in ClinVar's aggregate classification.